The following is an entry in ClinVar:

NM_001267550.2(TTN):c.37178dup (p.Pro12394fs)

Gene: TTN (titin; minus strand). Cytogenetic location: 2q31.2.
Variant type: Duplication.
Coding change: c.37178dup on transcript NM_001267550.2 (MANE Select); coding-DNA position 37178, one base duplicated (A; older notation c.37178dupA).
Protein change: p.Pro12394fs; shifts the reading frame from proline 12394.
Molecular consequence: frameshift variant. On other transcripts: intron variant (5).
Genome position (GRCh38, 1-based): chr2:178,661,971, T duplicated on the plus strand (A on the coding strand, the reverse complement: TTN is on the minus strand); the first of 5 consecutive T bases (chr2:178,661,971-178,661,975); duplicating any one gives the same sequence. VCF-style (leftmost placement, unchanged base first): chr2-178661970-C-CT. GRCh37 (hg19) VCF-style: chr2-179526697-C-CT.
Other names: NM_001267550.2(TTN):c.37178dup; p.Pro12394fs; c.13658-19654dup (NM_133432.3); c.31573+995dup (NM_133378.4); c.34354+995dup (NM_001256850.1); c.13283-19654dup (NM_003319.4); c.13859-19654dup (NM_133437.4); short protein forms P12394fs.
Identifiers: ClinVar variation 1678017 (VCV001678017.3), dbSNP rs2064831878, ClinGen allele CA1039714819.

ClinVar aggregate classification (germline): Uncertain significance. Review status: criteria provided, multiple submitters, no conflicts (2 of 4 stars). 3 submissions from 3 submitters: Uncertain significance (3). Last evaluated 2023-05-02.

Conditions:
Autosomal recessive limb-girdle muscular dystrophy type 2J (LGMDR10). Also called: Limb-girdle muscular dystrophy, type 2J; MUSCULAR DYSTROPHY, LIMB-GIRDLE, AUTOSOMAL RECESSIVE 10. Identifiers: Orphanet 140922, MedGen C1837342, MONDO:0012127, OMIM 608807.
Hypertrophic cardiomyopathy 9. Also called: Familial hypertrophic cardiomyopathy 9. Identifiers: MedGen C1861065, MONDO:0013412, OMIM 613765.
Dilated cardiomyopathy 1G (CMD1G). Identifiers: Orphanet 154, MedGen C1858763, MONDO:0011400, OMIM 604145.
Tibial muscular dystrophy (TMD). Also called: Udd Distal Myopathy – Tibial Muscular Dystrophy; UDD MYOPATHY; Tibial muscular dystrophy, tardive. Identifiers: Orphanet 609, MedGen C1838244, MONDO:0010870, OMIM 600334.
Early-onset myopathy with fatal cardiomyopathy (CMYO5). Also called: Salih Myopathy; CONGENITAL MYOPATHY 5 WITH CARDIOMYOPATHY. Identifiers: Orphanet 289377, MedGen C2673677, MONDO:0012714, OMIM 611705. Disease mechanism: loss of function.
Myopathy, myofibrillar, 9, with early respiratory failure (MFM9). Also called: EDSTROM MYOPATHY; MYOPATHY, PROXIMAL, WITH EARLY RESPIRATORY MUSCLE INVOLVEMENT; Hereditary myopathy with early respiratory failure; Myopathy, distal, with early respiratory failure, autosomal dominant. Identifiers: Orphanet 178464, Orphanet 34521, MedGen C1863599, MONDO:0011362, OMIM 603689.

Submissions (3):

Broad Center for Mendelian Genomics, Broad Institute of MIT and Harvard
Classification: Uncertain significance for Autosomal recessive limb-girdle muscular dystrophy type 2J. Last evaluated: 2023-05-02. Review status: criteria provided, single submitter. Criteria: ACMG Guidelines, 2015. Collection method: curation. Allele origin: germline. Inheritance: Autosomal recessive inheritance.
Comment: The heterozygous p.Pro12394AlafsTer18 variant in TTN was identified by our study, in the compound heterozygous state with a likely pathogenic variant (ClinVar Variation ID: 288119), in two siblings with limb-girdle muscular dystrophy. Familial exome analysis revealed that this variant was in trans with a likely pathogenic variant (ClinVar Variation ID: 288119). The p.Pro12394AlafsTer18 variant in TTN has been previously reported in individuals with autosomal recessive limb girdle muscular dystrophy 10 but has been identified in 0.002% (1/48292) of European (Finnish) chromosomes by the Genome Aggregation Database (gnomAD; dbSNP ID: rs2064831878). Although this variant has been seen in the general population in a heterozygous state, its frequency is low enough to be consistent with a recessive carrier frequency. This variant has also been reported in ClinVar (Variation ID: 1678017) and has been interpreted as a variant of uncertain significance by AiLife Diagnostics and Fulgent Genetics. This variant is predicted to cause a frameshift, which alters the protein‚Äôs amino acid sequence beginning at position 12394 and leads to a premature termination codon 18 amino acids downstream. This alteration is then predicted to lead to a truncated or absent protein. Loss of function of the TTN gene is an established disease mechanism in autosomal recessive limb girdle muscular dystrophy 10. Conservation and expression data indicate that this exon might not be biologically relevant for this disease, and therefore this variant is not expected to result in loss of function of TTN. In summary, the clinical significance of the p.Pro12394AlafsTer18 variant is uncertain. ACMG/AMP Criteria applied: PM2_Supporting, PM3 (Richards 2015).

AiLife Diagnostics
Classification: Uncertain significance. Last evaluated: 2022-03-07. Review status: criteria provided, single submitter. Criteria: ACMG Guidelines, 2015. Collection method: clinical testing. Allele origin: germline. Affected: yes. Observed: 1 variant allele.

Fulgent Genetics
Classification: Uncertain significance for Tibial muscular dystrophy; Myopathy, myofibrillar, 9, with early respiratory failure; Dilated cardiomyopathy 1G; Autosomal recessive limb-girdle muscular dystrophy type 2J; Early-onset myopathy with fatal cardiomyopathy; Hypertrophic cardiomyopathy 9. Last evaluated: 2021-08-30. Review status: criteria provided, single submitter. Criteria: ACMG Guidelines, 2015. Collection method: clinical testing. Allele origin: unknown.